The following is an entry in ClinVar:

ClinVar aggregate classification (germline): Uncertain significance (1 of 4 stars; one submission).

Conditions:
Fanconi anemia complementation group O. Also called: RAD51C-Related Fanconi Anemia. Identifiers: Orphanet 84, MedGen C3150653, MONDO:0013248, OMIM 613390.

gnomAD v4.1: 1 of 1,614,086 alleles (0.000062%); highest among the groups gnomAD compares: African/African-American, 0.0013%; no homozygotes.

Submission:

Labcorp Genetics (formerly Invitae), Labcorp
Classification: Uncertain significance for Fanconi anemia complementation group O. Last evaluated: 2019-03-14. Review status: criteria provided, single submitter. Criteria: Invitae Variant Classification Sherloc (09022015). Collection method: clinical testing. Allele origin: germline.
Comment: In summary, the available evidence is currently insufficient to determine the role of this variant in disease. Therefore, it has been classified as a Variant of Uncertain Significance. Algorithms developed to predict the effect of missense changes on protein structure and function are either unavailable or do not agree on the potential impact of this missense change (SIFT: "Deleterious"; PolyPhen-2: "Probably Damaging"; Align-GVGD: "Class C0"). This variant is not present in population databases (ExAC no frequency). This sequence change replaces proline with threonine at codon 145 of the RAD51C protein (p.Pro145Thr). The proline residue is highly conserved and there is a small physicochemical difference between proline and threonine. This variant has not been reported in the literature in individuals with RAD51C-related conditions.

NM_058216.3(RAD51C):c.433C>A (p.Pro145Thr)

Gene: RAD51C (RAD51 paralog C; plus strand). Cytogenetic location: 17q22.
Variant type: single nucleotide variant.
Coding change: c.433C>A on transcript NM_058216.3 (MANE Select); coding-DNA position 433, C replaced by A.
Protein change: p.Pro145Thr; replaces proline 145 with threonine.
Molecular consequence: missense variant.
Genome position (GRCh38, 1-based): chr17:58,696,721, C>A. VCF-style: chr17-58696721-C-A. GRCh37 (hg19) VCF-style: chr17-56774082-C-A.
Other names: short protein forms P145T.
Identifiers: ClinVar variation 856600 (VCV000856600.9), dbSNP rs1555594594, ClinGen allele CA400344052.